The following is an entry in ClinVar:

NM_001194998.2(CEP152):c.-26A>T

Gene: CEP152 (centrosomal protein 152; minus strand). Cytogenetic location: 15q21.1.
Variant type: single nucleotide variant.
Coding change: c.-26A>T on transcript NM_001194998.2 (MANE Select); 26 bases upstream of the start codon, A replaced by T.
Molecular consequence: 5 prime UTR variant.
Genome position (GRCh38, 1-based): chr15:48,810,979, T>A on the plus strand (A>T on the coding strand, the complement: CEP152 is on the minus strand). VCF-style: chr15-48810979-T-A. GRCh37 (hg19) VCF-style: chr15-49103176-T-A.
Other names: c.-26A>T (NM_014985.4).
Identifiers: ClinVar variation 136724 (VCV000136724.6), dbSNP rs35871801, ClinGen allele CA290034.

ClinVar aggregate classification (germline): Benign. Review status: criteria provided, multiple submitters, no conflicts (2 of 4 stars). 4 submissions from 3 submitters: Benign (4). Last evaluated 2018-01-13.

Conditions:
Seckel syndrome 5 (SCKL5). Identifiers: Orphanet 808, MedGen C3151187, MONDO:0013443, OMIM 613823.
Microcephaly 9, primary, autosomal recessive. Identifiers: Orphanet 2512, MedGen C3553886, MONDO:0013923, OMIM 614852.

Allele frequency attached by ClinVar (database versions not stated): gnomAD exomes 0.16216; 1000 Genomes Project 0.06689; 1000 Genomes Project 30x 0.07136; TOPMed 0.11985; gnomAD 0.12187 and 0.12222.
gnomAD v4.1: 18,755 of 152,556 alleles (12%); highest among the groups gnomAD compares: Middle Eastern, 18%; 1,547 homozygotes.

Submissions (4):

Illumina Laboratory Services, Illumina
Classification: Benign for Microcephaly 9, primary, autosomal recessive. Last evaluated: 2018-01-13. Review status: criteria provided, single submitter. Criteria: ICSL Variant Classification Criteria 13 December 2019. Collection method: clinical testing. Allele origin: germline.
Comment: This variant was observed in the ICSL laboratory as part of a predisposition screen in an ostensibly healthy population. It had not been previously curated by ICSL or reported in the Human Gene Mutation Database (HGMD: prior to June 1st, 2018), and was therefore a candidate for classification through an automated scoring system. Utilizing variant allele frequency, disease prevalence and penetrance estimates, and inheritance mode, an automated score was calculated to assess if this variant is too frequent to cause the disease. Based on the score and internal cut-off values, a variant classified as benign is not then subjected to further curation. The score for this variant resulted in a classification of benign for this disease.

Illumina Laboratory Services, Illumina
Classification: Benign for Seckel syndrome 5. Last evaluated: 2018-01-13. Review status: criteria provided, single submitter. Criteria: ICSL Variant Classification Criteria 13 December 2019. Collection method: clinical testing. Allele origin: germline.
Comment: the same text as in the submission from Illumina Laboratory Services, Illumina above.

GeneDx
Classification: Benign. Last evaluated: 2014-03-07. Review status: criteria provided, single submitter. Criteria: GeneDx Variant Classification (06012015). Collection method: clinical testing. Allele origin: germline. Affected: yes.
Comment: This variant is considered likely benign or benign based on one or more of the following criteria: it is a conservative change, it occurs at a poorly conserved position in the protein, it is predicted to be benign by multiple in silico algorithms, and/or has population frequency not consistent with disease.

Breakthrough Genomics
Classification: Benign. Review status: criteria provided, single submitter. Criteria: ACMG Guidelines, 2015. Collection method: not provided. Allele origin: germline. Inheritance: Autosomal recessive inheritance. Affected: yes.